The following is an entry in ClinVar:

NM_001382567.1(STIM1):c.1870G>T (p.Ala624Ser)

Genes: STIM1 (stromal interaction molecule 1; plus strand), LOC124418421 (Sharpr-MPRA regulatory region 9588; plus strand). Cytogenetic location: 11p15.4.
Variant type: single nucleotide variant.
Coding change: c.1870G>T on transcript NM_001382567.1 (MANE Select); coding-DNA position 1870, G replaced by T.
Protein change: p.Ala624Ser; replaces alanine 624 with serine.
Molecular consequence: missense variant. On other transcripts: 3 prime UTR variant (4), non-coding transcript variant (3).
Genome position (GRCh38, 1-based): chr11:4,091,517, G>T. VCF-style: chr11-4091517-G-T. GRCh37 (hg19) VCF-style: chr11-4112747-G-T.
Other names: c.2095G>T, p.Ala699Ser (NM_001277961.3); c.*191G>T (NM_001277962.2, NM_001382578.1, NM_001382579.1 and 1 more transcripts); c.1873G>T, p.Ala625Ser (NM_001382566.1); c.1798G>T, p.Ala600Ser (NM_001382568.1); c.1642G>T, p.Ala548Ser (NM_001382569.1); c.1549G>T, p.Ala517Ser (NM_001382570.1); c.1297G>T, p.Ala433Ser (NM_001382571.1); c.1555G>T, p.Ala519Ser (NM_001382575.1, NM_001382576.1, NM_001382577.1); and 2 more; short protein forms A430S, A593S, A600S, A699S, A433S, A517S, A625S, A519S.
Identifiers: ClinVar variation 2950863 (VCV002950863.3), dbSNP rs2498544381, ClinGen allele CA379197343.

ClinVar aggregate classification (germline): Uncertain significance (1 of 4 stars; one submission).

Conditions:
Stormorken syndrome (STRMK). Also called: THROMBOCYTOPATHY, ASPLENIA, AND MIOSIS. Identifiers: Orphanet 3204, MedGen C1861451, MONDO:0008497, OMIM 185070.
Combined immunodeficiency due to STIM1 deficiency. Also called: STIM1 DEFICIENCY; IMMUNODEFICIENCY 10. Identifiers: Orphanet 169090, Orphanet 317430, MedGen C2748557, MONDO:0013008, OMIM 612783.
Myopathy with tubular aggregates (TAM). Also called: Tubular Aggregate Myopathy. Identifiers: Orphanet 2593, MedGen C0410207, MONDO:0008051.

Submission:

Labcorp Genetics (formerly Invitae), Labcorp
Classification: Uncertain significance for Myopathy with tubular aggregates; Combined immunodeficiency due to STIM1 deficiency; Stormorken syndrome. Last evaluated: 2023-10-27. Review status: criteria provided, single submitter. Criteria: Invitae Variant Classification Sherloc (09022015). Collection method: clinical testing. Allele origin: germline.
Comment: This sequence change replaces alanine, which is neutral and non-polar, with serine, which is neutral and polar, at codon 593 of the STIM1 protein (p.Ala593Ser). This variant is not present in population databases (gnomAD no frequency). This variant has not been reported in the literature in individuals affected with STIM1-related conditions. Advanced modeling of protein sequence and biophysical properties (such as structural, functional, and spatial information, amino acid conservation, physicochemical variation, residue mobility, and thermodynamic stability) has been performed at Invitae for this missense variant, however the output from this modeling did not meet the statistical confidence thresholds required to predict the impact of this variant on STIM1 protein function. In summary, the available evidence is currently insufficient to determine the role of this variant in disease. Therefore, it has been classified as a Variant of Uncertain Significance.